The following is an entry in ClinVar:

ClinVar aggregate classification (germline): Uncertain significance. Review status: criteria provided, multiple submitters, no conflicts (2 of 4 stars). 3 submissions from 3 submitters: Uncertain significance (3). Last evaluated 2024-09-25.

Allele frequency attached by ClinVar (database versions not stated): gnomAD exomes below 0.00001; gnomAD 0.00001; TOPMed 0.00001.

Submissions (3):

Blueprint Genetics
Classification: Uncertain significance. Last evaluated: 2024-09-25. Review status: criteria provided, single submitter. Criteria: ACMG Guidelines, 2015. Collection method: clinical testing. Allele origin: germline.

CeGaT Center for Human Genetics Tuebingen
Classification: Uncertain significance. Last evaluated: 2024-02-01. Review status: criteria provided, single submitter. Criteria: CeGaT Center For Human Genetics Tuebingen Variant Classification Criteria Version 2. Collection method: clinical testing. Allele origin: germline. Affected: yes. Observed: 2 variant alleles.
Comment: CACNA1A: PM2:Supporting, PP2, PS2:Supporting

GeneDx
Classification: Uncertain significance. Last evaluated: 2016-12-06. Review status: criteria provided, single submitter. Criteria: GeneDx Variant Classification (06012015). Collection method: clinical testing. Allele origin: germline. Affected: yes.
Comment: A variant of uncertain significance has been identified in the CACNA1A gene. The T1229M variant has not been published as a pathogenic variant, nor has it been reported as a benign variant to our knowledge. The T1229M variant is not observed in large population cohorts (Lek et al., 2016; 1000 Genomes Consortium et al., 2015; Exome Variant Server). The T1229M variant is a non-conservative amino acid substitution, which is likely to impact secondary protein structure as these residues differ in polarity, charge, size and/or other properties. This substitution occurs at a position that is conserved across species and in silico analysis predicts this variant is probably damaging to the protein structure/function. However, missense variants in nearby residues have not been reported in Human Gene Mutation Database in association with CACNA1A-related disorders (Stenson et al., 2014). Therefore, based on the currently available information, it is unclear whether this variant is a pathogenic variant or a rare benign variant.

NM_001127222.2(CACNA1A):c.3683C>T (p.Thr1228Met)

Gene: CACNA1A (calcium voltage-gated channel subunit alpha1 A; minus strand). Cytogenetic location: 19p13.13.
Variant type: single nucleotide variant.
Coding change: c.3683C>T on transcript NM_001127222.2 (MANE Select); coding-DNA position 3683, C replaced by T.
Protein change: p.Thr1228Met; replaces threonine 1228 with methionine.
Molecular consequence: missense variant.
Genome position (GRCh38, 1-based): chr19:13,285,077, G>A on the plus strand (C>T on the coding strand, the complement: CACNA1A is on the minus strand). VCF-style: chr19-13285077-G-A. GRCh37 (hg19) VCF-style: chr19-13395891-G-A.
Other names: c.3686C>T, p.Thr1229Met (NM_001174080.2, NM_001127221.2); c.3695C>T, p.Thr1232Met (NM_023035.3, NM_000068.4); short protein forms T1229M, T1228M, T1232M.
Identifiers: ClinVar variation 373657 (VCV000373657.44), dbSNP rs1057518532, ClinGen allele CA16043069.
Genomic context (GRCh38, chr19:13,285,077, plus strand): 5'-CCCTGGTGGGAGCCCCAGGCCCCCCCTGCCCTTGCTGGGGGCCATACTCACGGGTTGGTC[G>A]TGGACAGGATGAACATGGAGCTATAGGGAGGCATTGGCTTAGGGCCGTCTTCCCCACGGT-3'
Protein context (NP_001120694.1, residues 1218-1238): PPYSSMFILS[Thr1228Met]TNPLRRLCHY